The following is an entry in ClinVar:

NM_001374828.1(ARID1B):c.1017C>T (p.Gly339=)

Gene: ARID1B (AT-rich interaction domain 1B; plus strand). Cytogenetic location: 6q25.3.
Variant type: single nucleotide variant.
Coding change: c.1017C>T on transcript NM_001374828.1 (MANE Select); coding-DNA position 1017, C replaced by T.
Protein change: p.Gly339=; no amino-acid change (glycine 339 retained).
Molecular consequence: synonymous variant.
Genome position (GRCh38, 1-based): chr6:156,778,697, C>T. VCF-style: chr6-156778697-C-T. GRCh37 (hg19) VCF-style: chr6-157099831-C-T.
Other names: c.1017C>T, p.Gly339= (NM_001371656.1, NM_001374820.1, NM_001438482.1 and 9 more transcripts).
Identifiers: ClinVar variation 4822519 (VCV004822519.4).
Genomic context (GRCh38, chr6:156,778,697, plus strand): 5'-CGCTGCCCCTGCGAGCGGCGGCCCCGGCGGCCGCGCTGGGCCTTGCTTTGATCAACATGG[C>T]GGACAACAAAGCCCCGGGATGGGGATGATGCACTCCGCCTCCGCCGCCGCCGCCGGGGCC-3'
Protein context (NP_001361757.1, residues 329-349): GRAGPCFDQH[Gly339=]GQQSPGMGMM

ClinVar aggregate classification (germline): Likely benign (1 of 4 stars; one submission).

gnomAD v4.1: 4 of 1,518,616 alleles (0.00026%); highest among the groups gnomAD compares: Non-Finnish European, 0.00018%; no homozygotes.

Submission:

CeGaT Center for Human Genetics Tuebingen
Classification: Likely benign. Last evaluated: 2026-01-01. Review status: criteria provided, single submitter. Criteria: CeGaT Center For Human Genetics Tuebingen Variant Classification Criteria Version 2. Collection method: clinical testing. Allele origin: germline. Affected: yes. Observed: 1 variant allele.
Comment: ARID1B: BP4, BP7